The following is an entry in ClinVar:

NM_000138.5(FBN1):c.5439G>C (p.Gln1813His)

Gene: FBN1 (fibrillin 1; minus strand). Cytogenetic location: 15q21.1.
Variant type: single nucleotide variant.
Coding change: c.5439G>C on transcript NM_000138.5 (MANE Select); coding-DNA position 5439, G replaced by C.
Protein change: p.Gln1813His; replaces glutamine 1813 with histidine.
Molecular consequence: missense variant.
Genome position (GRCh38, 1-based): chr15:48,452,668, C>G on the plus strand (G>C on the coding strand, the complement: FBN1 is on the minus strand). VCF-style: chr15-48452668-C-G. GRCh37 (hg19) VCF-style: chr15-48744865-C-G.
Other names: c.5439G>C, p.Gln1813His (NM_001406716.1); short protein forms Q1813H.
Identifiers: ClinVar variation 2951858 (VCV002951858.3), dbSNP rs2505470901, ClinGen allele CA392344458.

ClinVar aggregate classification (germline): Uncertain significance (1 of 4 stars; one submission).

Conditions:
Marfan syndrome (MFS). Also called: MARFAN SYNDROME, TYPE I; Marfan syndrome type 1; Marfan's syndrome; Marfan syndrome, classic; FBN1-Related Marfan Syndrome. Identifiers: Orphanet 284963, Orphanet 558, MedGen C0024796, MONDO:0007947, OMIM 154700.
Familial thoracic aortic aneurysm and aortic dissection (TAAD). Also called: Thoracic aortic aneurysms and dissections. Identifiers: Orphanet 91387, MedGen C4707243, MONDO:0019625.

Submission:

Labcorp Genetics (formerly Invitae), Labcorp
Classification: Uncertain significance for Marfan syndrome; Familial thoracic aortic aneurysm and aortic dissection. Last evaluated: 2023-09-11. Review status: criteria provided, single submitter. Criteria: Invitae Variant Classification Sherloc (09022015). Collection method: clinical testing. Allele origin: germline.
Comment: In summary, the available evidence is currently insufficient to determine the role of this variant in disease. Therefore, it has been classified as a Variant of Uncertain Significance. Advanced modeling of protein sequence and biophysical properties (such as structural, functional, and spatial information, amino acid conservation, physicochemical variation, residue mobility, and thermodynamic stability) has been performed at Invitae for this missense variant, however the output from this modeling did not meet the statistical confidence thresholds required to predict the impact of this variant on FBN1 protein function. This variant has not been reported in the literature in individuals affected with FBN1-related conditions. This variant is not present in population databases (gnomAD no frequency). This sequence change replaces glutamine, which is neutral and polar, with histidine, which is basic and polar, at codon 1813 of the FBN1 protein (p.Gln1813His).